The following is an entry in ClinVar:

ClinVar aggregate classification (germline): Uncertain significance (1 of 4 stars; one submission).

Allele frequency attached by ClinVar (database versions not stated): gnomAD exomes below 0.00001.
gnomAD v4.1: 1 of 1,612,844 alleles (0.000062%); highest among the groups gnomAD compares: Non-Finnish European, 0.000085%; no homozygotes.

Submission:

GeneDx
Classification: Uncertain significance. Last evaluated: 2014-06-16. Review status: criteria provided, single submitter. Criteria: GeneDx Variant Classification (06012015). Collection method: clinical testing. Allele origin: germline. Affected: yes.
Comment: Missense variants in the TTN gene are considered 'unclassified' if they are not previously reported in the literature and do not have >1% frequency in the population to be considered a polymorphism. Research indicates that truncating mutations in the TTN gene are expected to account for approximately 25% of familial and 18% of sporadic idiopathic DCM; however, truncating variants in the TTN gene have been reported in approximately 3% of reported control alleles. There has been little investigation into non-truncating variants. (Herman D et al. Truncations of titin causing dilated cardiomyopathy. N Eng J Med 366:619-628, 2012) The variant is found in CARDIOMYOPATHY panel(s).

NM_001267550.2(TTN):c.48094A>G (p.Ile16032Val)

Genes: TTN (titin; minus strand), TTN-AS1 (TTN antisense RNA 1; plus strand). Cytogenetic location: 2q31.2.
Variant type: single nucleotide variant.
Coding change: c.48094A>G on transcript NM_001267550.2 (MANE Select); coding-DNA position 48094, A replaced by G.
Protein change: p.Ile16032Val; replaces isoleucine 16032 with valine.
Molecular consequence: missense variant.
Genome position (GRCh38, 1-based): chr2:178,616,795, T>C on the plus strand (A>G on the coding strand, the complement: TTN is on the minus strand). VCF-style: chr2-178616795-T-C. GRCh37 (hg19) VCF-style: chr2-179481522-T-C.
Other names: p.I14391V:ATT>GTT; c.43171A>G, p.Ile14391Val (NM_001256850.1); c.20899A>G, p.Ile6967Val (NM_003319.4); c.40390A>G, p.Ile13464Val (NM_133378.4); c.21274A>G, p.Ile7092Val (NM_133432.3); c.21475A>G, p.Ile7159Val (NM_133437.4); short protein forms I14391V, I16032V, I13464V, I7159V, I6967V, I7092V.
Identifiers: ClinVar variation 202662 (VCV000202662.2), dbSNP rs794729443, ClinGen allele CA309908.